The following is an entry in ClinVar:

ClinVar aggregate classification (germline): Uncertain significance. Review status: criteria provided, multiple submitters, no conflicts (2 of 4 stars). 3 submissions from 3 submitters: Uncertain significance (3). Last evaluated 2026-05-01.

Conditions:
Inborn genetic diseases. Identifiers: MedGen C0950123, MeSH D030342.

Submissions (3):

CeGaT Center for Human Genetics Tuebingen
Classification: Uncertain significance. Last evaluated: 2026-05-01. Review status: criteria provided, single submitter. Criteria: CeGaT Center For Human Genetics Tuebingen Variant Classification Criteria Version 2. Collection method: clinical testing. Allele origin: germline. Affected: yes. Observed: 2 variant alleles.
Comment: SYNCRIP: PM2, PP2

Ambry Genetics
Classification: Uncertain significance for Inborn genetic diseases. Last evaluated: 2025-12-24. Review status: criteria provided, single submitter. Criteria: Ambry Variant Classification Scheme 2023. Collection method: clinical testing. Allele origin: germline.

GeneDx
Classification: Uncertain significance. Last evaluated: 2023-11-01. Review status: criteria provided, single submitter. Criteria: GeneDx Variant Classification Process June 2021. Collection method: clinical testing. Allele origin: germline. Affected: yes.
Comment: Not observed at significant frequency in large population cohorts (gnomAD); In silico analysis supports that this missense variant has a deleterious effect on protein structure/function; Has not been previously published as pathogenic or benign to our knowledge

NM_006372.5(SYNCRIP):c.1319C>T (p.Pro440Leu)

Gene: SYNCRIP (synaptotagmin binding cytoplasmic RNA interacting protein; minus strand). Cytogenetic location: 6q14.3.
Variant type: single nucleotide variant.
Coding change: c.1319C>T on transcript NM_006372.5 (MANE Select); coding-DNA position 1319, C replaced by T.
Protein change: p.Pro440Leu; replaces proline 440 with leucine.
Molecular consequence: missense variant.
Genome position (GRCh38, 1-based): chr6:85,615,309, G>A on the plus strand (C>T on the coding strand, the complement: SYNCRIP is on the minus strand). VCF-style: chr6-85615309-G-A. GRCh37 (hg19) VCF-style: chr6-86325027-G-A.
Other names: c.1025C>T, p.Pro342Leu (NM_001159673.2, NM_001410938.1); c.1214C>T, p.Pro405Leu (NM_001159674.2, NM_001159675.2); c.1319C>T, p.Pro440Leu (NM_001159676.2, NM_001159677.2); c.863C>T, p.Pro288Leu (NM_001253771.2); c.1319C>T (NM_006372.4); short protein forms P288L, P342L, P405L, P440L.
Identifiers: ClinVar variation 3363518 (VCV003363518.4).